The following is an entry in ClinVar:

ClinVar aggregate classification (germline): Uncertain significance (1 of 4 stars; one submission).

Submission:

Dasa
Classification: Uncertain significance. Last evaluated: 2025-01-11. Review status: criteria provided, single submitter. Criteria: DASA Assertion Criteria. Collection method: clinical testing. Allele origin: germline.
Comment: NM_007129.5(ZIC2):c.196G>A (p.Ala66Thr) is a missense variant that results in the substitution of alanine with threonine. This variant is rare in population databases. Computational prediction algorithms are consistent with a benign effect. The currently available literature and clinical evidence are not sufficient to establish a definitive association between this variant and the reported condition. Therefore, this variant is classified as a variant of uncertain significance.

NM_007129.5(ZIC2):c.196G>A (p.Ala66Thr)

Gene: ZIC2 (Zic family zinc finger 2; plus strand). Cytogenetic location: 13q32.3.
Variant type: single nucleotide variant.
Coding change: c.196G>A on transcript NM_007129.5 (MANE Select); coding-DNA position 196, G replaced by A.
Protein change: p.Ala66Thr; replaces alanine 66 with threonine.
Molecular consequence: missense variant.
Genome position (GRCh38, 1-based): chr13:99,982,260, G>A. VCF-style: chr13-99982260-G-A. GRCh37 (hg19) VCF-style: chr13-100634514-G-A.
Other names: short protein forms A66T.
Identifiers: ClinVar variation 4885783 (VCV004885783.2).